The following is an entry in ClinVar:

ClinVar aggregate classification (germline): Pathogenic (1 of 4 stars; one submission).

Conditions:
T-B+ severe combined immunodeficiency due to JAK3 deficiency. Also called: SCID, T CELL-NEGATIVE, B CELL-POSITIVE, NK CELL-NEGATIVE; SCID, autosomal recessive, T-negative/B-positive type. Identifiers: Orphanet 35078, MedGen C1833275, MONDO:0010938, OMIM 600802.

Submission:

Labcorp Genetics (formerly Invitae), Labcorp
Classification: Pathogenic for T-B+ severe combined immunodeficiency due to JAK3 deficiency. Last evaluated: 2023-05-03. Review status: criteria provided, single submitter. Criteria: Invitae Variant Classification Sherloc (09022015). Collection method: clinical testing. Allele origin: unknown.
Comment: For these reasons, this variant has been classified as Pathogenic. This variant has not been reported in the literature in individuals affected with JAK3-related conditions. This variant is a gross deletion of the genomic region encompassing exon(s) 2-7 of the JAK3 gene, which includes the initiator codon. This deletion extends beyond the assayed region for this gene and therefore may encompass additional genes. It is expected to result in an absent or disrupted protein product. Loss-of-function variants in JAK3 are known to be pathogenic (PMID: 7481768, 11668621).

Literature cited by the submitters: PubMed 7481768; PubMed 11668621.

NC_000019.9:g.(?_17952429)_(17955226_?)del

Gene: JAK3 (Janus kinase 3; minus strand). Cytogenetic location: 19p13.11.
Variant type: Deletion.
Identifiers: ClinVar variation 3248437 (VCV003248437.1).